The following is an entry in ClinVar:

ClinVar aggregate classification (germline): Uncertain significance (1 of 4 stars; one submission).

Submission:

Labcorp Genetics (formerly Invitae), Labcorp
Classification: Uncertain significance. Last evaluated: 2021-11-02. Review status: criteria provided, single submitter. Criteria: Invitae Variant Classification Sherloc (09022015). Collection method: clinical testing. Allele origin: germline.
Comment: In summary, the available evidence is currently insufficient to determine the role of this variant in disease. Therefore, it has been classified as a Variant of Uncertain Significance. Experimental studies and prediction algorithms are not available or were not evaluated, and the functional significance of this variant is currently unknown. This variant has not been reported in the literature in individuals affected with SBF1-related conditions. This variant is not present in population databases (gnomAD no frequency). This sequence change results in a frameshift in the SBF1 gene (p.Thr1865Argfs*65). While this is not anticipated to result in nonsense mediated decay, it is expected to disrupt the last 29 amino acid(s) of the SBF1 protein and extend the protein by 35 additional amino acid residues.

NM_002972.4(SBF1):c.5593del (p.Thr1865fs)

Gene: SBF1 (SET binding factor 1; minus strand). Cytogenetic location: 22q13.33.
Variant type: Deletion.
Coding change: c.5593del on transcript NM_002972.4 (MANE Select); coding-DNA position 5593, one base deleted (A; older notation c.5593delA).
Protein change: p.Thr1865fs; shifts the reading frame from threonine 1865.
Molecular consequence: frameshift variant.
Genome position (GRCh38, 1-based): chr22:50,447,231, T deleted on the plus strand (A on the coding strand, the reverse complement: SBF1 is on the minus strand); the first of 2 consecutive T bases (chr22:50,447,231-50,447,232); deleting either gives the same sequence. VCF-style (leftmost placement, unchanged base first): chr22-50447230-GT-G. GRCh37 (hg19) VCF-style: chr22-50885659-GT-G.
Other names: c.5518del, p.Thr1840fs (NM_001365819.1); short protein forms T1840fs, T1865fs.
Identifiers: ClinVar variation 1475730 (VCV001475730.6), dbSNP rs2148548824, ClinGen allele CA2573158392.